The following is an entry in ClinVar:

NM_001005373.4(LRSAM1):c.1454T>C (p.Leu485Pro)

Gene: LRSAM1 (leucine rich repeat and sterile alpha motif containing 1; plus strand). Cytogenetic location: 9q33.3.
Variant type: single nucleotide variant.
Coding change: c.1454T>C on transcript NM_001005373.4 (MANE Select); coding-DNA position 1454, T replaced by C.
Protein change: p.Leu485Pro; replaces leucine 485 with proline.
Molecular consequence: missense variant. On other transcripts: non-coding transcript variant (2), intron variant (1).
Genome position (GRCh38, 1-based): chr9:127,491,246, T>C. VCF-style: chr9-127491246-T-C. GRCh37 (hg19) VCF-style: chr9-130253525-T-C.
Other names: c.1454T>C, p.Leu485Pro (NM_138361.5, NM_001005374.4, NM_001384142.1 and 1 more transcripts); c.1423-1556T>C (NM_001190723.3); c.665T>C, p.Leu222Pro (NM_001384144.1); c.1454T>C (NM_138361.4); short protein forms L222P, L485P.
Identifiers: ClinVar variation 1320336 (VCV001320336.8), dbSNP rs369939320, ClinGen allele CA5247004.

ClinVar aggregate classification (germline): Uncertain significance. Review status: criteria provided, multiple submitters, no conflicts (2 of 4 stars). 3 submissions from 3 submitters: Uncertain significance (3). Last evaluated 2025-01-06.

Conditions:
Inborn genetic diseases. Identifiers: MedGen C0950123, MeSH D030342.
Charcot-Marie-Tooth disease axonal type 2P. Also called: CHARCOT-MARIE-TOOTH NEUROPATHY, TYPE 2P; CHARCOT-MARIE-TOOTH DISEASE, AXONAL, TYPE 2G; CMT 2G; Charcot-Marie-Tooth Neuropathy Type 2G. Identifiers: Orphanet 300319, Orphanet 99941, MedGen C3280797, MONDO:0013753, OMIM 614436.

Allele frequency attached by ClinVar (database versions not stated): gnomAD exomes below 0.00001 and 0.00001; ExAC 0.00001; gnomAD 0.00001; TOPMed 0.00001; ESP Exome Variant Server 0.00008.
gnomAD v4.1: 13 of 1,613,848 alleles (0.00081%); highest among the groups gnomAD compares: Non-Finnish European, 0.0011%; no homozygotes.

Submissions (3):

Labcorp Genetics (formerly Invitae), Labcorp
Classification: Uncertain significance for Charcot-Marie-Tooth disease axonal type 2P. Last evaluated: 2025-01-06. Review status: criteria provided, single submitter. Criteria: Invitae Variant Classification Sherloc (09022015). Collection method: clinical testing. Allele origin: germline.
Comment: This sequence change replaces leucine, which is neutral and non-polar, with proline, which is neutral and non-polar, at codon 485 of the LRSAM1 protein (p.Leu485Pro). This variant is present in population databases (rs369939320, gnomAD 0.0009%). This variant has not been reported in the literature in individuals affected with LRSAM1-related conditions. ClinVar contains an entry for this variant (Variation ID: 1320336). An algorithm developed to predict the effect of missense changes on protein structure and function (PolyPhen-2) suggests that this variant is likely to be disruptive. In summary, the available evidence is currently insufficient to determine the role of this variant in disease. Therefore, it has been classified as a Variant of Uncertain Significance.

Ambry Genetics
Classification: Uncertain significance for Inborn genetic diseases. Last evaluated: 2024-10-01. Review status: criteria provided, single submitter. Criteria: Ambry Variant Classification Scheme 2023. Collection method: clinical testing. Allele origin: germline.

GeneDx
Classification: Uncertain significance. Last evaluated: 2024-08-07. Review status: criteria provided, single submitter. Criteria: GeneDx Variant Classification Process June 2021. Collection method: clinical testing. Allele origin: germline. Affected: yes.
Comment: Not observed at significant frequency in large population cohorts (gnomAD); In silico analysis supports that this missense variant has a deleterious effect on protein structure/function; Has not been previously published as pathogenic or benign to our knowledge